The following is an entry in ClinVar:

ClinVar aggregate classification (germline): Uncertain significance (1 of 4 stars; one submission).

Submission:

Labcorp Genetics (formerly Invitae), Labcorp
Classification: Uncertain significance. Last evaluated: 2022-06-13. Review status: criteria provided, single submitter. Criteria: Invitae Variant Classification Sherloc (09022015). Collection method: clinical testing. Allele origin: germline.
Comment: This variant is a gross deletion of the genomic region encompassing exon(s) 6 of the C8B gene. This variant would be expected to be in-frame, preserving the integrity of the reading frame. This variant has not been reported in the literature in individuals affected with C8B-related conditions. Experimental studies and prediction algorithms are not available or were not evaluated, and the functional significance of this variant is currently unknown. In summary, the available evidence is currently insufficient to determine the role of this variant in disease. Therefore, it has been classified as a Variant of Uncertain Significance.

NC_000001.10:g.(?_57415208)_(57415445_?)del

Gene: C8B (complement C8 beta chain; minus strand). Cytogenetic location: 1p32.2.
Variant type: Deletion.
Identifiers: ClinVar variation 1408919 (VCV001408919.4).